The following is an entry in ClinVar:

NM_001902.6(CTH):c.346+7G>A

Gene: CTH (cystathionine gamma-lyase; plus strand). Cytogenetic location: 1p31.1.
Variant type: single nucleotide variant.
Coding change: c.346+7G>A on transcript NM_001902.6 (MANE Select); 7 bases into the intron after coding-DNA position 346, G replaced by A.
Molecular consequence: intron variant.
Genome position (GRCh38, 1-based): chr1:70,418,039, G>A. VCF-style: chr1-70418039-G-A. GRCh37 (hg19) VCF-style: chr1-70883722-G-A.
Other names: c.346+7G>A (NM_153742.5); c.250+2002G>A (NM_001190463.2).
Identifiers: ClinVar variation 298029 (VCV000298029.11), dbSNP rs186217898, ClinGen allele CA906134.

ClinVar aggregate classification (germline): Conflicting classifications of pathogenicity. Review status: criteria provided, conflicting classifications (1 of 4 stars). 4 submissions from 4 submitters: Uncertain significance (1); Benign (1); Likely benign (1). 1 of the submissions does not count toward it. Last evaluated 2025-06-03.

Conditions:
CTH-related disorder. Also called: CTH-related condition.
Cystathioninuria. Also called: CYSTATHIONASE DEFICIENCY. Identifiers: Orphanet 212, MedGen C0220993, MONDO:0009058, OMIM 219500, HP:0003153.

Allele frequency attached by ClinVar (database versions not stated): ExAC 0.00085; ESP Exome Variant Server 0.00269; gnomAD 0.00285 and 0.00271; gnomAD exomes 0.00075 and 0.00025; TOPMed 0.00312; 1000 Genomes Project 0.00379; 1000 Genomes Project 30x 0.00422.
gnomAD v4.1: 779 of 1,613,726 alleles (0.048%); highest among the groups gnomAD compares: African/African-American, 0.88%; 3 homozygotes.

Submissions (4):

ARUP Laboratories, Molecular Genetics and Genomics, ARUP Laboratories
Classification: Likely benign for Cystathioninuria. Last evaluated: 2025-06-03. Review status: criteria provided, single submitter. Criteria: ARUP Molecular Germline Variant Investigation Process 2024. Collection method: clinical testing. Allele origin: germline.

Labcorp Genetics (formerly Invitae), Labcorp
Classification: Benign. Last evaluated: 2018-01-30. Review status: criteria provided, single submitter. Criteria: Invitae Variant Classification Sherloc (09022015). Collection method: clinical testing. Allele origin: germline.

Illumina Laboratory Services, Illumina
Classification: Uncertain significance for Cystathioninuria. Last evaluated: 2018-01-12. Review status: criteria provided, single submitter. Criteria: ICSL Variant Classification Criteria 13 December 2019. Collection method: clinical testing. Allele origin: germline.

PreventionGenetics, part of Exact Sciences
Classification: Likely benign for CTH-related condition. Last evaluated: 2019-04-01. Review status: no assertion criteria provided. Collection method: clinical testing. Allele origin: germline. Not counted in ClinVar's aggregate classification.
Comment: This variant is classified as likely benign based on ACMG/AMP sequence variant interpretation guidelines (Richards et al. 2015 PMID: 25741868, with internal and published modifications).